The following is an entry in ClinVar:

NM_003873.7(NRP1):c.615C>T (p.Phe205=)

Gene: NRP1 (neuropilin 1; minus strand). Cytogenetic location: 10p11.22.
Variant type: single nucleotide variant.
Coding change: c.615C>T on transcript NM_003873.7 (MANE Select); coding-DNA position 615, C replaced by T.
Protein change: p.Phe205=; no amino-acid change (phenylalanine 205 retained).
Molecular consequence: synonymous variant. On other transcripts: non-coding transcript variant (1).
Genome position (GRCh38, 1-based): chr10:33,263,689, G>A on the plus strand (C>T on the coding strand, the complement: NRP1 is on the minus strand). VCF-style: chr10-33263689-G-A. GRCh37 (hg19) VCF-style: chr10-33552617-G-A.
Other names: c.615C>T, p.Phe205= (NM_001024628.3, NM_001024629.3, NM_001244972.2 and 2 more transcripts).
Identifiers: ClinVar variation 3353863 (VCV003353863.1).
Genomic context (GRCh38, chr10:33,263,689, plus strand): 5'-CTTCCTGTCATTCTTACCATCAGGGAATCCATCCCAGATTTCTAGCCGGTCGTAGCGACA[G>A]AACATCCCCCCTGGAGGATTTGAGTCAGGCTCCAGGTCAAAGCTTTCAAATTCCAGGATA-3'
Protein context (NP_003864.5, residues 195-215): EPDSNPPGGM[Phe205=]CRYDRLEIWD

ClinVar aggregate classification (germline): Likely benign (0 of 4 stars; one submission).

Conditions:
NRP1-related disorder. Also called: NRP1-related condition.

gnomAD v4.1: 1 of 1,614,130 alleles (0.000062%); highest among the groups gnomAD compares: Admixed American, 0.0017%; no homozygotes.

Submission:

PreventionGenetics, part of Exact Sciences
Classification: Likely benign for NRP1-related condition. Last evaluated: 2024-02-20. Review status: no assertion criteria provided. Collection method: clinical testing. Allele origin: germline.
Comment: This variant is classified as likely benign based on ACMG/AMP sequence variant interpretation guidelines (Richards et al. 2015 PMID: 25741868, with internal and published modifications).